The following is an entry in ClinVar:

NM_001172509.2(SATB2):c.1018C>G (p.Leu340Val)

Gene: SATB2 (SATB homeobox 2; minus strand). Cytogenetic location: 2q33.1.
Variant type: single nucleotide variant.
Coding change: c.1018C>G on transcript NM_001172509.2 (MANE Select); coding-DNA position 1018, C replaced by G.
Protein change: p.Leu340Val; replaces leucine 340 with valine.
Molecular consequence: missense variant.
Genome position (GRCh38, 1-based): chr2:199,348,856, G>C on the plus strand (C>G on the coding strand, the complement: SATB2 is on the minus strand). VCF-style: chr2-199348856-G-C. GRCh37 (hg19) VCF-style: chr2-200213579-G-C.
Other names: c.1018C>G, p.Leu340Val (NM_001172517.1, NM_015265.4); short protein forms L340V.
Identifiers: ClinVar variation 3710786 (VCV003710786.2).

ClinVar aggregate classification (germline): Uncertain significance (1 of 4 stars; one submission).

Conditions:
Chromosome 2q32-q33 deletion syndrome (GLASS). Also called: Glass syndrome; 2q33.1 deletion syndrome. Identifiers: Orphanet 251019, MedGen C2676739, MONDO:0012864, OMIM 612313.

Submission:

Labcorp Genetics (formerly Invitae), Labcorp
Classification: Uncertain significance for Chromosome 2q32-q33 deletion syndrome. Last evaluated: 2025-03-23. Review status: criteria provided, single submitter. Criteria: Invitae Variant Classification Sherloc (09022015). Collection method: clinical testing. Allele origin: germline.
Comment: This sequence change replaces leucine, which is neutral and non-polar, with valine, which is neutral and non-polar, at codon 340 of the SATB2 protein (p.Leu340Val). This variant is not present in population databases (gnomAD no frequency). This variant has not been reported in the literature in individuals affected with SATB2-related conditions. Invitae Evidence Modeling of protein sequence and biophysical properties (such as structural, functional, and spatial information, amino acid conservation, physicochemical variation, residue mobility, and thermodynamic stability) indicates that this missense variant is not expected to disrupt SATB2 protein function with a negative predictive value of 80%. In summary, the available evidence is currently insufficient to determine the role of this variant in disease. Therefore, it has been classified as a Variant of Uncertain Significance.